The following is an entry in ClinVar:

ClinVar aggregate classification (germline): Likely pathogenic (1 of 4 stars; one submission).

Conditions:
Neurodevelopmental disorder with dysmorphic facies and distal limb anomalies. Identifiers: Orphanet 686482, MedGen C4540327, MONDO:0060596, OMIM 617755.

Submission:

EVOGEN
Classification: Likely pathogenic for Neurodevelopmental disorder with dysmorphic facies and distal limb anomalies. Last evaluated: 2025-10-06. Review status: criteria provided, single submitter. Criteria: ACMG Guidelines, 2015. Collection method: clinical testing. Allele origin: de novo. Inheritance: Autosomal dominant inheritance. Affected: yes.
Comment: PVS1_Very Strong: Null variant (frame-shift) in gene BPTF, predicted to cause NMD. Loss-of-function is a known mechanism of disease (gene has 69 reported pathogenic LOF variants). The exon affects 1 functional domain: UniProt protein BPTF_HUMAN region of interest 'Disordered'. The exon contains 15 pathogenic variants. The truncated region contains 46 pathogenic variants. PM2_Supporting: Variant not found in gnomAD genomes, good gnomAD genomes coverage = 30.9. Variant not found in gnomAD exomes, good gnomAD exomes coverage = 33.7.

NM_182641.4(BPTF):c.4152dup (p.Thr1385fs)

Gene: BPTF (bromodomain PHD finger transcription factor; plus strand). Cytogenetic location: 17q24.2.
Variant type: Duplication.
Coding change: c.4152dup on transcript NM_182641.4 (MANE Select); coding-DNA position 4152, one base duplicated (C; older notation c.4152dupC).
Protein change: p.Thr1385fs; shifts the reading frame from threonine 1385.
Molecular consequence: frameshift variant.
Genome position (GRCh38, 1-based): chr17:67,912,036, C duplicated; the last of 2 consecutive C bases (chr17:67,912,035-67,912,036); duplicating either gives the same sequence. VCF-style (leftmost placement, unchanged base first): chr17-67912034-A-AC. GRCh37 (hg19) VCF-style: chr17-65908150-A-AC.
Other names: c.4341dup, p.Thr1448fs (NM_001439139.1, NM_001439141.1, NM_001439143.1 and 1 more transcripts); c.4530dup, p.Thr1511fs (NM_001439140.1, NM_001439142.1, NM_004459.7); short protein forms T1385fs, T1448fs, T1511fs.
Identifiers: ClinVar variation 4886771 (VCV004886771.1).